The following is an entry in ClinVar:

ClinVar aggregate classification (germline): Likely pathogenic (1 of 4 stars; one submission).

Conditions:
Sjögren-Larsson syndrome (SLS). Also called: FALDH DEFICIENCY; FATTY ALCOHOL:NAD+ OXIDOREDUCTASE DEFICIENCY; FATTY ALDEHYDE DEHYDROGENASE DEFICIENCY; ICHTHYOSIS, SPASTIC NEUROLOGIC DISORDER, AND OLIGOPHRENIA. Identifiers: Orphanet 816, MedGen C0037231, MONDO:0010031, OMIM 270200.

Submission:

Myriad Genetics, Inc.
Classification: Likely pathogenic for Sjögren-Larsson syndrome. Last evaluated: 2021-12-27. Review status: criteria provided, single submitter. Criteria: Myriad Women's Health Autosomal Recessive and X-Linked Classification Criteria (2021). Collection method: clinical testing. Allele origin: unknown.
Comment: NM_000382.2(ALDH3A2):c.253_254delAA(K85Efs*9) is expected to be pathogenic in the context of Sjogren-Larsson syndrome. This variant is predicted to lead to an abnormal or absent protein product due to the creation of a premature termination codon in ALDH3A2, a gene where loss-of-function variants are known to be pathogenic. Please note: this variant was assessed in the context of healthy population screening.

NM_000382.3(ALDH3A2):c.253_254del (p.Lys85fs)

Gene: ALDH3A2 (aldehyde dehydrogenase 3 family member A2; plus strand). Cytogenetic location: 17p11.2.
Variant type: Deletion.
Coding change: c.253_254del on transcript NM_000382.3 (MANE Select); coding-DNA positions 253 to 254, 2 bases deleted (AA; older notation c.253_254delAA).
Protein change: p.Lys85fs; shifts the reading frame from lysine 85.
Molecular consequence: frameshift variant. On other transcripts: 5 prime UTR variant (1).
Genome position (GRCh38, 1-based): chr17:19,651,646-19,651,647, AA deleted. VCF-style (leftmost placement, unchanged base first): chr17-19651645-TAA-T. GRCh37 (hg19) VCF-style: chr17-19554958-TAA-T.
Other names: c.253_254del, p.Lys85fs (NM_001031806.2, NM_001369136.1, NM_001369137.2 and 3 more transcripts); c.-436_-435del (NM_001369148.2); short protein forms K85fs.
Identifiers: ClinVar variation 1726606 (VCV001726606.2), dbSNP rs2544357144, ClinGen allele CA2580092702.